The following is an entry in ClinVar:

ClinVar aggregate classification (germline): Benign (0 of 4 stars; one submission).

Conditions:
MUC16-related disorder. Also called: MUC16-related condition.

Allele frequency attached by ClinVar (database versions not stated): 1000 Genomes Project 30x 0.00609; ESP Exome Variant Server 0.00668; TOPMed 0.00674; 1000 Genomes Project 0.00679; gnomAD 0.00779; ExAC 0.00909.

Submission:

PreventionGenetics, part of Exact Sciences
Classification: Benign for MUC16-related condition. Last evaluated: 2019-02-19. Review status: no assertion criteria provided. Collection method: clinical testing. Allele origin: germline.
Comment: This variant is classified as benign based on ACMG/AMP sequence variant interpretation guidelines (Richards et al. 2015 PMID: 25741868, with internal and published modifications).

NM_001401501.2(MUC16):c.9479C>A (p.Thr3160Asn)

Gene: MUC16 (mucin 16, cell surface associated; minus strand). Cytogenetic location: 19p13.2.
Variant type: single nucleotide variant.
Coding change: c.9479C>A on transcript NM_001401501.2 (MANE Select); coding-DNA position 9479, C replaced by A.
Protein change: p.Thr3160Asn; replaces threonine 3160 with asparagine.
Molecular consequence: missense variant.
Genome position (GRCh38, 1-based): chr19:8,971,780, G>T on the plus strand (C>A on the coding strand, the complement: MUC16 is on the minus strand). VCF-style: chr19-8971780-G-T. GRCh37 (hg19) VCF-style: chr19-9082456-G-T.
Other names: c.9905C>A, p.Thr3302Asn (NM_001414686.1); c.9359C>A, p.Thr3120Asn (NM_001414687.1, NM_024690.2); short protein forms T3120N, T3160N, T3302N.
Identifiers: ClinVar variation 3041345 (VCV003041345.2), dbSNP rs183524392, ClinGen allele CA9171755.